The following is an entry in ClinVar:

NM_005491.5(MAMLD1):c.270T>A (p.Asp90Glu)

Gene: MAMLD1 (mastermind like domain containing 1; plus strand). Cytogenetic location: Xq28.
Variant type: single nucleotide variant.
Coding change: c.270T>A on transcript NM_005491.5 (MANE Select); coding-DNA position 270, T replaced by A.
Protein change: p.Asp90Glu; replaces aspartic acid 90 with glutamic acid.
Molecular consequence: missense variant.
Genome position (GRCh38, 1-based): chrX:150,469,843, T>A. VCF-style: chrX-150469843-T-A. GRCh37 (hg19) VCF-style: chrX-149638115-T-A.
Other names: c.195T>A, p.Asp65Glu (NM_001177465.3, NM_001177466.3, NM_001400514.1); c.270T>A, p.Asp90Glu (NM_001400512.1, NM_001400513.1, NM_001400515.1); short protein forms D65E, D90E.
Identifiers: ClinVar variation 3008140 (VCV003008140.2), dbSNP rs149710130, ClinGen allele CA415217224.

ClinVar aggregate classification (germline): Uncertain significance (1 of 4 stars; one submission).

gnomAD v4.1: 21 of 1,209,887 alleles (0.0017%); highest among the groups gnomAD compares: Non-Finnish European, 0.0022%; no homozygotes.

Submission:

Labcorp Genetics (formerly Invitae), Labcorp
Classification: Uncertain significance. Last evaluated: 2022-11-21. Review status: criteria provided, single submitter. Criteria: Invitae Variant Classification Sherloc (09022015). Collection method: clinical testing. Allele origin: germline.
Comment: In summary, the available evidence is currently insufficient to determine the role of this variant in disease. Therefore, it has been classified as a Variant of Uncertain Significance. Algorithms developed to predict the effect of missense changes on protein structure and function (SIFT, PolyPhen-2, Align-GVGD) all suggest that this variant is likely to be disruptive. This variant has not been reported in the literature in individuals affected with MAMLD1-related conditions. This variant is present in population databases (no rsID available, gnomAD 0.001%). This sequence change replaces aspartic acid, which is acidic and polar, with glutamic acid, which is acidic and polar, at codon 90 of the MAMLD1 protein (p.Asp90Glu).